The following is an entry in ClinVar:

ClinVar aggregate classification (germline): Conflicting classifications of pathogenicity. Review status: criteria provided, conflicting classifications (1 of 4 stars). 5 submissions from 5 submitters: Uncertain significance (3); Benign (1). 1 of the submissions does not count toward it. Last evaluated 2026-01-27.

Conditions:
Autosomal recessive limb-girdle muscular dystrophy type 2B (LGMDR2). Also called: Limb-girdle muscular dystrophy, type 2B; MUSCULAR DYSTROPHY, LIMB-GIRDLE, TYPE 3; Limb-Girdle Muscular Dystrophy Type 2B (LGMD2B); MUSCULAR DYSTROPHY, LIMB-GIRDLE, AUTOSOMAL RECESSIVE 2. Identifiers: Orphanet 268, MedGen C1850889, MONDO:0009676, OMIM 253601.
Neuromuscular disease caused by qualitative or quantitative defects of dysferlin. Also called: Dysferlinopathy; Qualitative or quantitative defects of dysferlin. Identifiers: Orphanet 207073, MedGen C2931687, MONDO:0016145.

Allele frequency attached by ClinVar (database versions not stated): TOPMed 0.00006.
gnomAD v4.1: 66 of 1,613,756 alleles (0.0041%); highest among the groups gnomAD compares: East Asian, 0.018%; no homozygotes.

Submissions (5):

Labcorp Genetics (formerly Invitae), Labcorp
Classification: Benign for Neuromuscular disease caused by qualitative or quantitative defects of dysferlin. Last evaluated: 2026-01-27. Review status: criteria provided, single submitter. Criteria: Invitae Variant Classification Sherloc (09022015). Collection method: clinical testing. Allele origin: germline.

GeneDx
Classification: Uncertain significance. Last evaluated: 2026-01-26. Review status: criteria provided, single submitter. Criteria: GeneDx Variant Classification Process June 2021. Collection method: clinical testing. Allele origin: germline.
Comment: In silico analysis supports that this missense variant has a deleterious effect on protein structure/function; Has not been previously published as pathogenic or benign to our knowledge

Revvity Omics, Revvity
Classification: Uncertain significance. Last evaluated: 2022-11-28. Review status: criteria provided, single submitter. Criteria: ACMG Guidelines, 2015. Collection method: clinical testing. Allele origin: germline.

Eurofins Ntd Llc (ga)
Classification: Uncertain significance. Last evaluated: 2018-06-14. Review status: criteria provided, single submitter. Criteria: EGL ClinVar v180209 classification definitions. Collection method: clinical testing. Allele origin: germline. Observed: 1 variant allele, 1 heterozygote.

Natera, Inc.
Classification: Uncertain significance for Limb-girdle muscular dystrophy type 2B. Last evaluated: 2020-01-17. Review status: no assertion criteria provided. Collection method: clinical testing. Allele origin: germline. Not counted in ClinVar's aggregate classification.

NM_001130987.2(DYSF):c.4046G>A (p.Arg1349His)

Gene: DYSF (dysferlin; plus strand). Cytogenetic location: 2p13.2.
Variant type: single nucleotide variant.
Coding change: c.4046G>A on transcript NM_001130987.2 (MANE Select); coding-DNA position 4046, G replaced by A.
Protein change: p.Arg1349His; replaces arginine 1349 with histidine.
Molecular consequence: missense variant.
Genome position (GRCh38, 1-based): chr2:71,611,333, G>A. VCF-style: chr2-71611333-G-A. GRCh37 (hg19) VCF-style: chr2-71838463-G-A.
Other names: c.3995G>A, p.Arg1332His (NM_001130455.2, NM_001130983.2); c.3950G>A, p.Arg1317His (NM_001130976.2, NM_001130977.2); c.3992G>A, p.Arg1331His (NM_001130978.2, NM_003494.4); c.4085G>A, p.Arg1362His (NM_001130979.2); c.4043G>A, p.Arg1348His (NM_001130980.2, NM_001130981.2); c.4088G>A, p.Arg1363His (NM_001130982.2); c.3953G>A, p.Arg1318His (NM_001130984.2, NM_001130986.2); c.4046G>A, p.Arg1349His (NM_001130985.2); short protein forms R1331H, R1349H, R1332H, R1317H, R1348H, R1362H, R1318H, R1363H.
Identifiers: ClinVar variation 597550 (VCV000597550.14), dbSNP rs61742872, ClinGen allele CA1706848.